The following is an entry in ClinVar:

NM_001366385.1(CARD14):c.1460G>A (p.Arg487Gln)

Gene: CARD14 (caspase recruitment domain family member 14; plus strand). Cytogenetic location: 17q25.3.
Variant type: single nucleotide variant.
Coding change: c.1460G>A on transcript NM_001366385.1 (MANE Select); coding-DNA position 1460, G replaced by A.
Protein change: p.Arg487Gln; replaces arginine 487 with glutamine.
Molecular consequence: missense variant. On other transcripts: non-coding transcript variant (1).
Genome position (GRCh38, 1-based): chr17:80,195,294, G>A. VCF-style: chr17-80195294-G-A. GRCh37 (hg19) VCF-style: chr17-78169093-G-A.
Other names: c.1460G>A, p.Arg487Gln (NM_001257970.1, NM_024110.4); c.749G>A, p.Arg250Gln (NM_052819.3); short protein forms R250Q, R487Q.
Identifiers: ClinVar variation 1694225 (VCV001694225.24), dbSNP rs531888447, ClinGen allele CA8816836.
Genomic context (GRCh38, chr17:80,195,294, plus strand): 5'-TGGTGGACAGCTTCCGCTCCAGCAGCCCCGCGCCCCCCAGCCAGCAGTCCCTGTACAAGC[G>A]GGTGGCCGAGGACTTCGGGGAAGAACCCTGGTCTTTCAGGTAGAGCACTGGGGTCCTTCC-3'
Protein context (NP_001353314.1, residues 477-497): APPSQQSLYK[Arg487Gln]VAEDFGEEPW

ClinVar aggregate classification (germline): Uncertain significance. Review status: criteria provided, multiple submitters, no conflicts (2 of 4 stars). 3 submissions from 3 submitters: Uncertain significance (3). Last evaluated 2025-07-13.

Conditions:
Autoinflammatory syndrome. Identifiers: Orphanet 93665, MedGen C3890737, MONDO:0019751.
Pityriasis rubra pilaris (PRP). Also called: Pityriasis rubra pilaris--familial type. Identifiers: Orphanet 2897, MedGen C0032027, MONDO:0100017, OMIM 173200, MONDO:0008251.
Psoriasis 2. Identifiers: MedGen C1864497, MONDO:0011269, OMIM 602723.

Allele frequency attached by ClinVar (database versions not stated): gnomAD exomes 0.00001 and 0.00004; gnomAD 0.00003 and 0.00004; TOPMed 0.00003; ExAC 0.00007; 1000 Genomes Project 30x 0.00016; 1000 Genomes Project 0.00020.
gnomAD v4.1: 22 of 1,612,896 alleles (0.0014%); highest among the groups gnomAD compares: South Asian, 0.011%; no homozygotes.

Submissions (3):

Labcorp Genetics (formerly Invitae), Labcorp
Classification: Uncertain significance for Pityriasis rubra pilaris; Psoriasis 2. Last evaluated: 2025-07-13. Review status: criteria provided, single submitter. Criteria: Invitae Variant Classification Sherloc (09022015). Collection method: clinical testing. Allele origin: germline.
Comment: This sequence change replaces arginine, which is basic and polar, with glutamine, which is neutral and polar, at codon 487 of the CARD14 protein (p.Arg487Gln). This variant is present in population databases (rs531888447, gnomAD 0.02%). This variant has not been reported in the literature in individuals affected with CARD14-related conditions. ClinVar contains an entry for this variant (Variation ID: 1694225). Invitae Evidence Modeling of protein sequence and biophysical properties (such as structural, functional, and spatial information, amino acid conservation, physicochemical variation, residue mobility, and thermodynamic stability) has been performed for this missense variant. However, the output from this modeling did not meet the statistical confidence thresholds required to predict the impact of this variant on CARD14 protein function. In summary, the available evidence is currently insufficient to determine the role of this variant in disease. Therefore, it has been classified as a Variant of Uncertain Significance.

CeGaT Center for Human Genetics Tuebingen
Classification: Uncertain significance. Last evaluated: 2024-08-01. Review status: criteria provided, single submitter. Criteria: CeGaT Center For Human Genetics Tuebingen Variant Classification Criteria Version 2. Collection method: clinical testing. Allele origin: germline. Affected: yes. Observed: 1 variant allele.
Comment: CARD14: PM2:Supporting, BP4

Genome Diagnostics Laboratory, The Hospital for Sick Children
Classification: Uncertain significance for Autoinflammatory syndrome. Last evaluated: 2020-01-01. Review status: criteria provided, single submitter. Criteria: ACMG Guidelines, 2015. Collection method: clinical testing. Allele origin: germline. Affected: yes.